The following is an entry in ClinVar:

ClinVar aggregate classification (germline): Uncertain significance (1 of 4 stars; one submission).

gnomAD v4.1: 13 of 1,612,520 alleles (0.00081%); highest among the groups gnomAD compares: Non-Finnish European, 0.0011%; no homozygotes.

Submission:

Labcorp Genetics (formerly Invitae), Labcorp
Classification: Uncertain significance. Last evaluated: 2023-09-20. Review status: criteria provided, single submitter. Criteria: Invitae Variant Classification Sherloc (09022015). Collection method: clinical testing. Allele origin: germline.
Comment: In summary, the available evidence is currently insufficient to determine the role of this variant in disease. Therefore, it has been classified as a Variant of Uncertain Significance. An algorithm developed to predict the effect of missense changes on protein structure and function (PolyPhen-2) suggests that this variant is likely to be disruptive. This variant has not been reported in the literature in individuals affected with MYO3A-related conditions. This variant is present in population databases (rs144008984, gnomAD 0.0009%). This sequence change replaces isoleucine, which is neutral and non-polar, with serine, which is neutral and polar, at codon 51 of the MYO3A protein (p.Ile51Ser).

NM_017433.5(MYO3A):c.152T>G (p.Ile51Ser)

Gene: MYO3A (myosin IIIA; plus strand). Cytogenetic location: 10p12.1.
Variant type: single nucleotide variant.
Coding change: c.152T>G on transcript NM_017433.5 (MANE Select); coding-DNA position 152, T replaced by G.
Protein change: p.Ile51Ser; replaces isoleucine 51 with serine.
Molecular consequence: missense variant.
Genome position (GRCh38, 1-based): chr10:25,952,262, T>G. VCF-style: chr10-25952262-T-G. GRCh37 (hg19) VCF-style: chr10-26241191-T-G.
Other names: c.152T>G, p.Ile51Ser (NM_001368265.1); short protein forms I51S.
Identifiers: ClinVar variation 2758327 (VCV002758327.3), dbSNP rs144008984, ClinGen allele CA5444204.